The following is an entry in ClinVar:

ClinVar aggregate classification (germline): Uncertain significance. Review status: criteria provided, multiple submitters, no conflicts (2 of 4 stars). 5 submissions from 5 submitters: Uncertain significance (5). Last evaluated 2025-07-28.

Conditions:
Inborn genetic diseases. Identifiers: MedGen C0950123, MeSH D030342.

Allele frequency attached by ClinVar (database versions not stated): TOPMed 0.00002; ExAC 0.00003; gnomAD exomes below 0.00001; gnomAD 0.00001 and 0.00002.
gnomAD v4.1: 7 of 1,595,234 alleles (0.00044%); highest among the groups gnomAD compares: African/African-American, 0.004%; no homozygotes.

Submissions (5):

Dasa
Classification: Uncertain significance. Last evaluated: 2025-07-28. Review status: criteria provided, single submitter. Criteria: DASA Assertion Criteria. Collection method: clinical testing. Allele origin: germline.
Comment: NM_001113491.2(SEPTIN9):c.1313A>G (p.Asn438Ser) is a missense variant that results in the substitution of asparagine with serine. This variant is rare in population databases. The currently available literature and clinical evidence are not sufficient to establish a definitive association between this variant and the reported condition. Therefore, this variant is classified as a variant of uncertain significance.

Ambry Genetics
Classification: Uncertain significance for Inborn genetic diseases. Last evaluated: 2023-12-08. Review status: criteria provided, single submitter. Criteria: Ambry Variant Classification Scheme 2023. Collection method: clinical testing. Allele origin: germline.

Labcorp Genetics (formerly Invitae), Labcorp
Classification: Uncertain significance. Last evaluated: 2022-06-14. Review status: criteria provided, single submitter. Criteria: Invitae Variant Classification Sherloc (09022015). Collection method: clinical testing. Allele origin: germline.
Comment: This sequence change replaces asparagine, which is neutral and polar, with serine, which is neutral and polar, at codon 420 of the SEPT9 protein (p.Asn420Ser). In summary, the available evidence is currently insufficient to determine the role of this variant in disease. Therefore, it has been classified as a Variant of Uncertain Significance. ClinVar contains an entry for this variant (Variation ID: 930536). This variant has not been reported in the literature in individuals affected with SEPT9-related conditions. The frequency data for this variant in the population databases is considered unreliable, as metrics indicate poor data quality at this position in the gnomAD database. Algorithms developed to predict the effect of missense changes on protein structure and function are either unavailable or do not agree on the potential impact of this missense change (SIFT: "Deleterious"; PolyPhen-2: "Benign"; Align-GVGD: "Class C0").

GeneDx
Classification: Uncertain significance. Last evaluated: 2020-01-20. Review status: criteria provided, single submitter. Criteria: GeneDx Variant Classification Process June 2021. Collection method: clinical testing. Allele origin: germline. Affected: yes.
Comment: Not observed at a significant frequency in large population cohorts (Lek et al., 2016); In silico analysis, which includes protein predictors and evolutionary conservation, supports a deleterious effect; Has not been previously published as pathogenic or benign to our knowledge

Centre for Mendelian Genomics, University Medical Centre Ljubljana
Classification: Uncertain significance. Last evaluated: 2019-06-26. Review status: criteria provided, single submitter. Criteria: ACMG Guidelines, 2015. Collection method: clinical testing. Allele origin: unknown. Affected: yes.
Comment: This variant was classified as: Uncertain significance. The available evidence on this variant's pathogenicity is insufficient or conflicting. The following ACMG criteria were applied in classifying this variant: PP3.

NM_001113491.2(SEPTIN9):c.1313A>G (p.Asn438Ser)

Gene: SEPTIN9 (septin 9; plus strand). Cytogenetic location: 17q25.3.
Variant type: single nucleotide variant.
Coding change: c.1313A>G on transcript NM_001113491.2 (MANE Select); coding-DNA position 1313, A replaced by G.
Protein change: p.Asn438Ser; replaces asparagine 438 with serine.
Molecular consequence: missense variant.
Genome position (GRCh38, 1-based): chr17:77,490,792, A>G. VCF-style: chr17-77490792-A-G. GRCh37 (hg19) VCF-style: chr17-75486874-A-G.
Other names: c.821A>G, p.Asn274Ser (NM_001113492.2, NM_001113494.1); c.1292A>G, p.Asn431Ser (NM_001113493.2); c.560A>G, p.Asn187Ser (NM_001113495.2, NM_001113496.2, NM_001293697.2 and 1 more transcripts); c.1256A>G, p.Asn419Ser (NM_001293695.2); c.641A>G, p.Asn214Ser (NM_001293696.2); c.1259A>G, p.Asn420Ser (NM_006640.5); short protein forms N214S, N431S, N187S, N274S, N438S, N419S, N420S.
Identifiers: ClinVar variation 930536 (VCV000930536.12), dbSNP rs749673813, ClinGen allele CA8793757.